The following is an entry in ClinVar:

NR_045586.1(SRA1):n.617_624del

Gene: SRA1 (steroid receptor RNA activator 1; minus strand). Cytogenetic location: 5q31.3.
Variant type: Deletion.
Molecular consequence: non-coding transcript variant (on NR_045586.1).
Genome position: GRCh38 VCF-style: chr5-140557469-CCAGCGGGG-C. GRCh37 (hg19) VCF-style: chr5-139937054-CCAGCGGGG-C.
Identifiers: ClinVar variation 1488325 (VCV001488325.6), dbSNP rs1394630773, ClinGen allele CA446634142.
Genomic context (GRCh38, chr5:140,557,469, plus strand): 5'-GCCCGCCGGCTGCGCTCACCCGGCTTCACGTACAGCTCCGCCATCTCCACTTCCGCTTGG[CCAGCGGGG>C]CAGCGCGTCATTTCCGGGGCGGCCCCTCACGCGGGCCAGTTGAGACACGTCCAGGGCCAG-3'

ClinVar aggregate classification (germline): Uncertain significance (1 of 4 stars; one submission).

Submission:

Labcorp Genetics (formerly Invitae), Labcorp
Classification: Uncertain significance. Last evaluated: 2025-12-08. Review status: criteria provided, single submitter. Criteria: Invitae Variant Classification Sherloc (09022015). Collection method: clinical testing. Allele origin: germline.
Comment: This sequence change creates a premature translational stop signal (p.Cys4Trpfs*77) in the SRA1 gene. It is expected to result in an absent or disrupted protein product. However, the current clinical and genetic evidence is not sufficient to establish whether loss-of-function variants in SRA1 cause disease. This variant is present in population databases (no rsID available, gnomAD 0.008%). This variant has not been reported in the literature in individuals affected with SRA1-related conditions. ClinVar contains an entry for this variant (Variation ID: 1488325). In summary, the available evidence is currently insufficient to determine the role of this variant in disease. Therefore, it has been classified as a Variant of Uncertain Significance.